The following is an entry in ClinVar:

NM_001079866.2(BCS1L):c.418del (p.Leu140fs)

Gene: BCS1L (BCS1 ubiquinol-cytochrome c reductase complex chaperone; plus strand). Cytogenetic location: 2q35.
Variant type: Deletion.
Coding change: c.418del on transcript NM_001079866.2 (MANE Select); coding-DNA position 418, one base deleted (C; older notation c.418delC).
Protein change: p.Leu140fs; shifts the reading frame from leucine 140.
Molecular consequence: frameshift variant. On other transcripts: 5 prime UTR variant (5), non-coding transcript variant (1), intron variant (1).
Genome position (GRCh38, 1-based): chr2:218,661,503, C deleted; the last of 3 consecutive C bases (chr2:218,661,501-218,661,503); deleting any one gives the same sequence. VCF-style (leftmost placement, unchanged base first): chr2-218661500-GC-G. GRCh37 (hg19) VCF-style: chr2-219526223-GC-G.
Other names: c.418del, p.Leu140fs (NM_001257342.2, NM_001257343.2, NM_001257344.2 and 10 more transcripts); c.58del, p.Leu20fs (NM_001318836.2, NM_001371451.1); c.-59del (NM_001371453.1, NM_001371454.1, NM_001371455.1 and 2 more transcripts); c.-41-256del (NM_001371452.1); c.418delC (NM_004328.4); short protein forms L140fs, L20fs.
Identifiers: ClinVar variation 371616 (VCV000371616.12), dbSNP rs1057517412, ClinGen allele CA16040860.

ClinVar aggregate classification (germline): Pathogenic/Likely pathogenic. Review status: criteria provided, multiple submitters, no conflicts (2 of 4 stars). 4 submissions from 4 submitters: Pathogenic (2); Likely pathogenic (1). 1 of the submissions does not count toward it. Last evaluated 2024-09-27.

Conditions:
Inborn genetic diseases. Identifiers: MedGen C0950123, MeSH D030342.
GRACILE syndrome (FLNMS). Also called: FELLMAN SYNDROME; FINNISH LETHAL NEONATAL METABOLIC SYNDROME. Identifiers: Orphanet 53693, MedGen C1864002, MONDO:0011308, OMIM 603358.

Submissions (4):

Natera, Inc.
Classification: Likely pathogenic for GRACILE syndrome. Last evaluated: 2024-09-27. Review status: criteria provided, single submitter. Criteria: Natera Variant Classification Schema (03/2026). Collection method: clinical testing. Allele origin: germline.
Comment: The c.418delC variant in BCS1L is a frameshift variant predicted to shift the reading frame beginning at codon 140 and leads to a stop codon 18 codons downstream. This variant is expected to result in nonsense mediated decay, truncation, or a dysfunctional protein product. This variant is rare in the general population with a frequency below the threshold expected for the associated phenotype(s). Given the available evidence, this variant is classified as Likely Pathogenic.

Labcorp Genetics (formerly Invitae), Labcorp
Classification: Pathogenic. Last evaluated: 2024-08-27. Review status: criteria provided, single submitter. Criteria: Invitae Variant Classification Sherloc (09022015). Collection method: clinical testing. Allele origin: germline.
Comment: This sequence change creates a premature translational stop signal (p.Leu140Trpfs*18) in the BCS1L gene. It is expected to result in an absent or disrupted protein product. Loss-of-function variants in BCS1L are known to be pathogenic (PMID: 12215968, 17314340, 19162478, 19508421, 22277166, 25895478). This variant is present in population databases (no rsID available, gnomAD 0.0009%). This variant has not been reported in the literature in individuals affected with BCS1L-related conditions. ClinVar contains an entry for this variant (Variation ID: 371616). For these reasons, this variant has been classified as Pathogenic.

Ambry Genetics
Classification: Pathogenic for Inborn genetic diseases. Last evaluated: 2019-10-15. Review status: criteria provided, single submitter. Criteria: Ambry exome assertion method (8-5-2015). Collection method: clinical testing. Allele origin: germline. Affected: yes. Observed: 1 variant allele.

Counsyl
Classification: Likely pathogenic for GRACILE syndrome. Last evaluated: 2016-11-03. Review status: no assertion criteria provided. Collection method: clinical testing. Allele origin: unknown. Not counted in ClinVar's aggregate classification.

Literature cited by the submitters: PubMed 12215968 (cited by Labcorp Genetics (formerly Invitae), Labcorp); PubMed 17314340 (cited by Labcorp Genetics (formerly Invitae), Labcorp); PubMed 19162478 (cited by Labcorp Genetics (formerly Invitae), Labcorp); PubMed 19508421 (cited by Labcorp Genetics (formerly Invitae), Labcorp); PubMed 22277166 (cited by Labcorp Genetics (formerly Invitae), Labcorp); PubMed 25895478 (cited by Labcorp Genetics (formerly Invitae), Labcorp).